The following is an entry in ClinVar:

NM_024675.4(PALB2):c.2417C>T (p.Pro806Leu)

Gene: PALB2 (partner and localizer of BRCA2; minus strand). Cytogenetic location: 16p12.2.
Variant type: single nucleotide variant.
Coding change: c.2417C>T on transcript NM_024675.4 (MANE Select); coding-DNA position 2417, C replaced by T.
Protein change: p.Pro806Leu; replaces proline 806 with leucine.
Molecular consequence: missense variant.
Genome position (GRCh38, 1-based): chr16:23,629,737, G>A on the plus strand (C>T on the coding strand, the complement: PALB2 is on the minus strand). VCF-style: chr16-23629737-G-A. GRCh37 (hg19) VCF-style: chr16-23641058-G-A.
Other names: short protein forms P806L.
Identifiers: ClinVar variation 141063 (VCV000141063.32), dbSNP rs45464991, ClinGen allele CA164360.

ClinVar aggregate classification (germline): Conflicting classifications of pathogenicity. Review status: criteria provided, conflicting classifications (1 of 4 stars). 13 submissions from 13 submitters: Uncertain significance (7); Benign (1); Likely benign (2). 3 of the submissions do not count toward it. Last evaluated 2025-11-12.

Conditions:
Breast and/or ovarian cancer. Identifiers: MedGen CN221562.
Hereditary cancer-predisposing syndrome. Also called: Neoplastic Syndromes, Hereditary; Tumor predisposition; Hereditary Cancer Syndrome; Hereditary neoplastic syndrome. Identifiers: Orphanet 140162, MedGen C0027672, MeSH D009386, MONDO:0015356.
Familial cancer of breast. Also called: BREAST CANCER, FAMILIAL; Hereditary breast cancer; hereditary breast carcinoma. Identifiers: Orphanet 227535, MedGen C0346153, MONDO:0016419, OMIM 114480. Disease mechanism: loss of function.
Malignant tumor of breast. Also called: Malignant breast neoplasm; Cancer breast. Identifiers: MedGen C0006142, MONDO:0007254. Disease mechanism: loss of function.
Pancreatic cancer, susceptibility to, 3. Identifiers: Orphanet 1333, MedGen C3150547, MONDO:0013236, OMIM 613348.

Allele frequency attached by ClinVar (database versions not stated): gnomAD 0.00002; TOPMed 0.00002; ExAC 0.00003; gnomAD exomes 0.00003 and 0.00004; ESP Exome Variant Server 0.00008.

Submissions (13):

Labcorp Genetics (formerly Invitae), Labcorp
Classification: Uncertain significance for Familial cancer of breast. Last evaluated: 2025-11-12. Review status: criteria provided, single submitter. Criteria: Invitae Variant Classification Sherloc (09022015). Collection method: clinical testing. Allele origin: germline.
Comment: This sequence change replaces proline, which is neutral and non-polar, with leucine, which is neutral and non-polar, at codon 806 of the PALB2 protein (p.Pro806Leu). This variant is present in population databases (rs45464991, gnomAD 0.004%). This missense change has been observed in individual(s) with breast cancer (PMID: 17200668, 26283626, 37937776). ClinVar contains an entry for this variant (Variation ID: 141063). Invitae Evidence Modeling of protein sequence and biophysical properties (such as structural, functional, and spatial information, amino acid conservation, physicochemical variation, residue mobility, and thermodynamic stability) indicates that this missense variant is not expected to disrupt PALB2 protein function with a negative predictive value of 80%. In summary, the available evidence is currently insufficient to determine the role of this variant in disease. Therefore, it has been classified as a Variant of Uncertain Significance.

GeneDx
Classification: Uncertain significance. Last evaluated: 2025-08-12. Review status: criteria provided, single submitter. Criteria: GeneDx Variant Classification Process June 2021. Collection method: clinical testing. Allele origin: germline. Affected: yes.
Comment: Observed in an individual with familial pancreatic cancer who also harbored PALB2 E837X, internally determined to be in cis (PMID: 25356972); Reported in both breast or biliary tract cancer cases and healthy controls in large case-control studies (PMID: 17200668, 26283626, 28779002, 30287823, 36243179); In silico analysis supports that this missense variant has a deleterious effect on protein structure/function; This variant is associated with the following publications: (PMID: 17200668, 28779002, 26283626, 30287823, 24485656, 36243179, 25356972, 37937776)

Quest Diagnostics Nichols Institute San Juan Capistrano
Classification: Uncertain significance. Last evaluated: 2025-06-20. Review status: criteria provided, single submitter. Criteria: Quest Diagnostics criteria. Collection method: clinical testing. Allele origin: unknown.
Comment: The PALB2 c.2417C>T (p.Pro806Leu) variant has been reported in the published literature in individuals with breast cancer (PMID: 26283626 (2015), 17200668 (2007), 28779002 (2017), 33471991 (2021), see also LOVD), pancreatic cancer (PMID: 25356972 (2015)), biliary tract cancer (PMID: 36243179 (2022)), and in reportedly unaffected individuals (PMID: 30287823 (2018), 26283626 (2015), 33471991 (2021), see also LOVD). This variant has been seen where an alternate explanation for disease was also identified, suggesting this variant may not cause disease. The frequency of this variant in the general population (Genome Aggregation Database) is uninformative in the assessment of its pathogenicity. Analysis of this variant using bioinformatics tools for the prediction of the effect of amino acid changes on protein structure and function yielded predictions that this variant is benign. Based on the available information, we are unable to determine the clinical significance of this variant.

Center for Genomic Medicine, Rigshospitalet, Copenhagen University Hospital
Classification: Uncertain significance. Last evaluated: 2025-03-04. Review status: criteria provided, single submitter. Criteria: ACMG Guidelines, 2015. Collection method: clinical testing. Allele origin: germline.

Myriad Genetics, Inc.
Classification: Likely benign for Familial cancer of breast. Last evaluated: 2023-03-31. Review status: criteria provided, single submitter. Criteria: Myriad Autosomal Dominant, Autosomal Recessive and X-Linked Classification Criteria (2023). Collection method: clinical testing. Allele origin: unknown.
Comment: This variant is considered likely benign. This variant is strongly associated with less severe personal and family histories of cancer, typical for individuals without pathogenic variants in this gene [PMID: 25085752].

CHEO Genetics Diagnostic Laboratory, Children's Hospital of Eastern Ontario
Classification: Uncertain significance for Breast and/or ovarian cancer. Last evaluated: 2021-08-31. Review status: criteria provided, single submitter. Criteria: ACMG Guidelines, 2015. Collection method: clinical testing. Allele origin: germline.

Women's Health and Genetics/Laboratory Corporation of America, LabCorp
Classification: Uncertain significance. Last evaluated: 2019-01-29. Review status: criteria provided, single submitter. Criteria: LabCorp Variant Classification Summary - May 2015. Collection method: clinical testing. Allele origin: germline.
Comment: Variant summary: PALB2 c.2417C>T (p.Pro806Leu) results in a non-conservative amino acid change in the encoded protein sequence. Four of five in-silico tools predict a benign effect of the variant on protein function. The variant allele was found at a frequency of 2.9e-05 in 272736 control chromosomes (gnomAD and publications). The available data on variant occurrences in the general population are insufficient to allow any conclusion about variant significance. c.2417C>T has been reported in the literature in individuals affected with Hereditary Breast and Ovarian Cancer and pancreatic cancer (Decker_2017, Zhen_2015, Rahman_2007, Thompson_2015). These report(s) do not provide unequivocal conclusions about association of the variant with Hereditary Breast and Ovarian Cancer. Co-occurrences with other pathogenic variants have been reported (PALB2 c.2509G>T, p.E837X; in Zhen_2015 and in an internal sample), providing supporting evidence for a benign role. To our knowledge, no experimental evidence demonstrating an impact on protein function has been reported. Five ClinVar submissions from clinical diagnostic laboratories (evaluation after 2014) cite the variant four times as uncertain significance and once as likely benign. Based on the evidence outlined above, the variant was classified as VUS-possibly benign.

Ambry Genetics
Classification: Likely benign for Hereditary cancer-predisposing syndrome. Last evaluated: 2018-05-16. Review status: criteria provided, single submitter. Criteria: Ambry Variant Classification Scheme 2023. Collection method: clinical testing. Allele origin: germline.

Color Diagnostics, LLC DBA Color Health
Classification: Benign for Hereditary cancer-predisposing syndrome. Last evaluated: 2016-07-11. Review status: criteria provided, single submitter. Criteria: ACMG Guidelines, 2015. Collection method: clinical testing. Allele origin: germline.

Cancer Genetics Laboratory, Peter MacCallum Cancer Centre
Classification: Uncertain significance for Familial cancer of breast. Last evaluated: 2015-06-01. Review status: criteria provided, single submitter. Criteria: Thompson et al. (Breast Cancer Res. 2015). Collection method: case-control. Allele origin: germline. Affected: yes and no. Observed: 2 variant alleles, 2 heterozygotes.

Leiden Open Variation Database
Classification: Uncertain significance for Pancreatic cancer, susceptibility to, 3. Last evaluated: 2019-05-13. Review status: no assertion criteria provided. Collection method: curation. Allele origin: germline. Affected: no. Not counted in ClinVar's aggregate classification.
Comment: Curators: Marc Tischkowitz, Arleen D. Auerbach. Submitters to LOVD: Marc Tischkowitz, Yukihide Momozawa.

Counsyl
Classification: Uncertain significance for Familial cancer of breast. Last evaluated: 2016-12-29. Review status: no assertion criteria provided. Collection method: clinical testing. Allele origin: unknown. Not counted in ClinVar's aggregate classification.

Department of Pathology and Laboratory Medicine, Sinai Health System
Classification: Uncertain significance for Malignant tumor of breast. Review status: no assertion criteria provided. Collection method: clinical testing. Allele origin: unknown. Affected: yes. Observed: 1 variant allele. Study: The Canadian Open Genetics Repository (COGR). Not counted in ClinVar's aggregate classification.
Comment: The PALB2 p.Pro806Leu variant was identified in 3 of 7292 proband chromosomes (frequency: 0.0004) from individuals or families with BRCA1/2 negative breast cancer, familial pancreatic cancer or familial breast cancer, and was present in 1 of 3996 control chromosomes frequency:0.0003) from healthy individuals (Thompson 2015, Zhen 2015, Rahman 2007). In the proband with familial pancreatic cancer, the variant co-occurred with a truncating pathogenic PALB2 variant (E837X, 2509G>T)) (Zhen 2015). The variant was also identified in dbSNP (ID: rs45464991) â€šÃ„ÃºWith Uncertain significance alleleâ€šÃ„Ã¹, ClinVar (classified with conflicting interpretations of pathogenicity; submitters: likely benign by Ambry Genetics and uncertain significance by Invitae, GeneDx, Counsyl and Cancer Genetics Laboratory (Peter MacCallum Cancer Centre)), and Zhejiang University Database (1X). The variant was identified in control databases in 6 of 246258 chromosomes at a frequency of 0.00002 (Genome Aggregation Database Feb 27, 2017), observed in the following populations: European (Non-Finnish) in 4 of 111710 chromosomes (freq: 0.00004), South Asian in 1 of 30782 chromosomes (freq: 0.00003) and Latino in 1 of 33582 chromosomes (freq: 0.00003), while not observed in the African, Ashkenazi Jewish, East Asian, European (Finnish), and Other populations. The p.Pro806Leu residue is not conserved in mammals and four out of five computational analyses (PolyPhen-2, SIFT, AlignGVGD, BLOSUM, MutationTaster) do not suggest a high likelihood of impact to the protein; however, this information is not predictive enough to rule out pathogenicity. The variant occurs outside of the splicing consensus sequence and in silico or computational prediction software programs (SpliceSiteFinder, MaxEntScan, NNSPLICE, GeneSplicer) do not predict a difference in splicing. In summary, based on the above information the clinical significance of this variant cannot be determined with certainty at this time. This variant is classified as a variant of uncertain significance.

Literature cited by the submitters: PubMed 17200668 (cited by 4 submitters); PubMed 26283626 (cited by 5 submitters); PubMed 37937776 (cited by Labcorp Genetics (formerly Invitae), Labcorp and Quest Diagnostics Nichols Institute San Juan Capistrano); PubMed 30287823 (cited by Quest Diagnostics Nichols Institute San Juan Capistrano and Leiden Open Variation Database); PubMed 28779002 (cited by Quest Diagnostics Nichols Institute San Juan Capistrano and Women's Health and Genetics/Laboratory Corporation of America, LabCorp); PubMed 25356972 (cited by 3 submitters); PubMed 36243179 (cited by Quest Diagnostics Nichols Institute San Juan Capistrano); PubMed 33471991 (cited by Quest Diagnostics Nichols Institute San Juan Capistrano); PubMed 25085752 (cited by Myriad Genetics, Inc.).